The following is an entry in ClinVar:

ClinVar aggregate classification (germline): Uncertain significance (1 of 4 stars; one submission).

Conditions:
Gastrointestinal stromal tumor. Also called: Gastrointestinal stromal tumor, somatic; Gastrointestinal stroma tumor. Identifiers: Orphanet 44890, MedGen C0238198, MeSH D046152, MONDO:0011719, OMIM 606764, HP:0100723.

Submission:

Labcorp Genetics (formerly Invitae), Labcorp
Classification: Uncertain significance for Gastrointestinal stromal tumor. Last evaluated: 2020-06-04. Review status: criteria provided, single submitter. Criteria: Invitae Variant Classification Sherloc (09022015). Collection method: clinical testing. Allele origin: germline.
Comment: This sequence change replaces phenylalanine with leucine at codon 182 of the PDGFRA protein (p.Phe182Leu). The phenylalanine residue is moderately conserved and there is a small physicochemical difference between phenylalanine and leucine. This variant is not present in population databases (ExAC no frequency). This variant has not been reported in the literature in individuals with PDGFRA-related conditions. Algorithms developed to predict the effect of missense changes on protein structure and function (SIFT, PolyPhen-2, Align-GVGD) all suggest that this variant is likely to be tolerated, but these predictions have not been confirmed by published functional studies and their clinical significance is uncertain. In summary, the available evidence is currently insufficient to determine the role of this variant in disease. Therefore, it has been classified as a Variant of Uncertain Significance.

NM_006206.6(PDGFRA):c.546C>G (p.Phe182Leu)

Gene: PDGFRA (platelet derived growth factor receptor alpha; plus strand). Cytogenetic location: 4q12.
Variant type: single nucleotide variant.
Coding change: c.546C>G on transcript NM_006206.6 (MANE Select); coding-DNA position 546, C replaced by G.
Protein change: p.Phe182Leu; replaces phenylalanine 182 with leucine.
Molecular consequence: missense variant.
Genome position (GRCh38, 1-based): chr4:54,263,845, C>G. VCF-style: chr4-54263845-C-G. GRCh37 (hg19) VCF-style: chr4-55130012-C-G.
Other names: c.546C>G, p.Phe182Leu (NM_001347827.2, NM_001347829.2); c.621C>G, p.Phe207Leu (NM_001347828.2); c.585C>G, p.Phe195Leu (NM_001347830.2); short protein forms F195L, F182L, F207L.
Identifiers: ClinVar variation 1047521 (VCV001047521.9), dbSNP rs1722888931, ClinGen allele CA356890059.